The following is an entry in ClinVar:

NM_001042475.3(CEP85L):c.492C>A (p.Ala164=)

Gene: CEP85L (centrosomal protein 85 like; minus strand). Cytogenetic location: 6q22.31.
Variant type: single nucleotide variant.
Coding change: c.492C>A on transcript NM_001042475.3 (MANE Select); coding-DNA position 492, C replaced by A.
Protein change: p.Ala164=; no amino-acid change (alanine 164 retained).
Molecular consequence: synonymous variant.
Genome position (GRCh38, 1-based): chr6:118,566,057, G>T on the plus strand (C>A on the coding strand, the complement: CEP85L is on the minus strand). VCF-style: chr6-118566057-G-T. GRCh37 (hg19) VCF-style: chr6-118887220-G-T.
Other names: c.501C>A, p.Ala167= (NM_001178035.2); c.492C>A, p.Ala164= (NM_206921.3).
Identifiers: ClinVar variation 3029509 (VCV003029509.2), dbSNP rs747593968, ClinGen allele CA452132717.

ClinVar aggregate classification (germline): Likely benign (0 of 4 stars; one submission).

Conditions:
CEP85L-related disorder. Also called: CEP85L-related condition.

Allele frequency attached by ClinVar (database versions not stated): TOPMed below 0.00001.
gnomAD v4.1: 1 of 1,614,124 alleles (0.000062%); highest among the groups gnomAD compares: East Asian, 0.0022%; no homozygotes.

Submission:

PreventionGenetics, part of Exact Sciences
Classification: Likely benign for CEP85L-related condition. Last evaluated: 2023-12-04. Review status: no assertion criteria provided. Collection method: clinical testing. Allele origin: germline.
Comment: This variant is classified as likely benign based on ACMG/AMP sequence variant interpretation guidelines (Richards et al. 2015 PMID: 25741868, with internal and published modifications).